The following is an entry in ClinVar:

ClinVar aggregate classification (germline): Conflicting classifications of pathogenicity. Review status: criteria provided, conflicting classifications (1 of 4 stars). 4 submissions from 4 submitters: Uncertain significance (2); Benign (1); Likely benign (1). Last evaluated 2026-09-21.

Conditions:
ELAC2-related disorder. Also called: ELAC2-related condition.
Combined oxidative phosphorylation defect type 17. Also called: Combined oxidative phosphorylation deficiency 17. Identifiers: Orphanet 369913, MedGen C3809526, MONDO:0014190, OMIM 615440.

Allele frequency attached by ClinVar (database versions not stated): gnomAD 0.00003; TOPMed 0.00014; ESP Exome Variant Server 0.00015; gnomAD exomes 0.00015 and 0.00040; ExAC 0.00033.
gnomAD v4.1: 260 of 1,614,070 alleles (0.016%); highest among the groups gnomAD compares: Admixed American, 0.005%; 1 homozygote.

Submissions (4):

PreventionGenetics, part of Exact Sciences
Classification: Likely benign for ELAC2-related condition. Last evaluated: 2026-09-21. Review status: criteria provided, single submitter. Criteria: ACMG Guidelines, 2015. Collection method: clinical testing. Allele origin: germline.
Comment: This variant is classified as likely benign based on ACMG/AMP sequence variant interpretation guidelines (Richards et al. 2015 PMID: 25741868, with internal and published modifications).

GeneDx
Classification: Uncertain significance. Last evaluated: 2026-03-13. Review status: criteria provided, single submitter. Criteria: GeneDx Variant Classification Process June 2021. Collection method: clinical testing. Allele origin: germline.
Comment: In silico analysis supports that this missense variant has a deleterious effect on protein structure/function; Has not been previously published as pathogenic or benign to our knowledge; This variant is associated with the following publications: (PMID: 26485759)

Labcorp Genetics (formerly Invitae), Labcorp
Classification: Benign for Combined oxidative phosphorylation defect type 17. Last evaluated: 2026-02-03. Review status: criteria provided, single submitter. Criteria: Invitae Variant Classification Sherloc (09022015). Collection method: clinical testing. Allele origin: germline.

Mayo Clinic Laboratories, Mayo Clinic
Classification: Uncertain significance. Last evaluated: 2024-07-29. Review status: criteria provided, single submitter. Criteria: ACMG Guidelines, 2015. Collection method: clinical testing. Allele origin: germline. Observed: 2 variant alleles.
Comment: BS2_supporting

NM_018127.7(ELAC2):c.1468T>G (p.Ser490Ala)

Gene: ELAC2 (elaC ribonuclease Z 2; minus strand). Cytogenetic location: 17p12.
Variant type: single nucleotide variant.
Coding change: c.1468T>G on transcript NM_018127.7 (MANE Select); coding-DNA position 1468, T replaced by G.
Protein change: p.Ser490Ala; replaces serine 490 with alanine.
Molecular consequence: missense variant.
Genome position (GRCh38, 1-based): chr17:12,998,464, A>C on the plus strand (T>G on the coding strand, the complement: ELAC2 is on the minus strand). VCF-style: chr17-12998464-A-C. GRCh37 (hg19) VCF-style: chr17-12901781-A-C.
Other names: p.Ser490Ala; c.1348T>G, p.Ser450Ala (NM_001165962.2); c.1465T>G, p.Ser489Ala (NM_173717.2); short protein forms S490A, S450A, S489A.
Identifiers: ClinVar variation 696060 (VCV000696060.12), dbSNP rs149210630, ClinGen allele CA8401191.